The following is an entry in ClinVar:

ClinVar aggregate classification (germline): Likely benign (0 of 4 stars; one submission).

Conditions:
POLR3A-related disorder. Also called: POLR3A-related condition; POLR3A-related disorders. Identifiers: MedGen CN378587, MONDO:0700276.

Allele frequency attached by ClinVar (database versions not stated): TOPMed below 0.00001; gnomAD 0.00001.
gnomAD v4.1: 11 of 1,614,120 alleles (0.00068%); highest among the groups gnomAD compares: Non-Finnish European, 0.00093%; no homozygotes.

Submission:

PreventionGenetics, part of Exact Sciences
Classification: Likely benign for POLR3A-related condition. Last evaluated: 2019-03-08. Review status: no assertion criteria provided. Collection method: clinical testing. Allele origin: germline.
Comment: This variant is classified as likely benign based on ACMG/AMP sequence variant interpretation guidelines (Richards et al. 2015 PMID: 25741868, with internal and published modifications).

NM_007055.4(POLR3A):c.1909+20G>A

Gene: POLR3A (RNA polymerase III subunit A; minus strand). Cytogenetic location: 10q22.3.
Variant type: single nucleotide variant.
Coding change: c.1909+20G>A on transcript NM_007055.4 (MANE Select); 20 bases into the intron after coding-DNA position 1909, G replaced by A.
Molecular consequence: intron variant.
Genome position (GRCh38, 1-based): chr10:78,009,517, C>T on the plus strand (G>A on the coding strand, the complement: POLR3A is on the minus strand). VCF-style: chr10-78009517-C-T. GRCh37 (hg19) VCF-style: chr10-79769275-C-T.
Identifiers: ClinVar variation 3057418 (VCV003057418.2), dbSNP rs1189488542, ClinGen allele CA594435150.